The following is an entry in ClinVar:

ClinVar aggregate classification (germline): Conflicting classifications of pathogenicity. Review status: criteria provided, conflicting classifications (1 of 4 stars). 4 submissions from 4 submitters: Uncertain significance (3); Likely benign (1). Last evaluated 2025-12-08.

Conditions:
INTU-related disorder. Also called: INTU-related condition.
Inborn genetic diseases. Identifiers: MedGen C0950123, MeSH D030342.

Allele frequency attached by ClinVar (database versions not stated): gnomAD exomes 0.00063 and 0.00059; 1000 Genomes Project 30x 0.00016; 1000 Genomes Project 0.00020; ESP Exome Variant Server 0.00023; TOPMed 0.00027; gnomAD 0.00045 and 0.00046; ExAC 0.00054.
gnomAD v4.1: 915 of 1,613,572 alleles (0.057%); highest among the groups gnomAD compares: South Asian, 0.17%; 3 homozygotes.

Submissions (4):

Labcorp Genetics (formerly Invitae), Labcorp
Classification: Uncertain significance. Last evaluated: 2025-12-08. Review status: criteria provided, single submitter. Criteria: Invitae Variant Classification Sherloc (09022015). Collection method: clinical testing. Allele origin: germline.
Comment: This sequence change replaces tryptophan, which is neutral and slightly polar, with serine, which is neutral and polar, at codon 890 of the INTU protein (p.Trp890Ser). This variant is present in population databases (rs187393671, gnomAD 0.2%), and has an allele count higher than expected for a pathogenic variant. This variant has not been reported in the literature in individuals affected with INTU-related conditions. ClinVar contains an entry for this variant (Variation ID: 1519655). Invitae Evidence Modeling of protein sequence and biophysical properties (such as structural, functional, and spatial information, amino acid conservation, physicochemical variation, residue mobility, and thermodynamic stability) indicates that this missense variant is not expected to disrupt INTU protein function with a negative predictive value of 80%. In summary, the available evidence is currently insufficient to determine the role of this variant in disease. Therefore, it has been classified as a Variant of Uncertain Significance.

PreventionGenetics, part of Exact Sciences
Classification: Likely benign for INTU-related condition. Last evaluated: 2025-01-06. Review status: criteria provided, single submitter. Criteria: ACMG Guidelines, 2015. Collection method: clinical testing. Allele origin: germline.
Comment: This variant is classified as likely benign based on ACMG/AMP sequence variant interpretation guidelines (Richards et al. 2015 PMID: 25741868, with internal and published modifications).

Blueprint Genetics
Classification: Uncertain significance. Last evaluated: 2024-11-26. Review status: criteria provided, single submitter. Criteria: ACMG Guidelines, 2015. Collection method: clinical testing. Allele origin: germline.

Ambry Genetics
Classification: Uncertain significance for Inborn genetic diseases. Last evaluated: 2023-08-08. Review status: criteria provided, single submitter. Criteria: Ambry Variant Classification Scheme 2023. Collection method: clinical testing. Allele origin: germline.

NM_015693.4(INTU):c.2669G>C (p.Trp890Ser)

Gene: INTU (inturned planar cell polarity protein; plus strand). Cytogenetic location: 4q28.1.
Variant type: single nucleotide variant.
Coding change: c.2669G>C on transcript NM_015693.4 (MANE Select); coding-DNA position 2669, G replaced by C.
Protein change: p.Trp890Ser; replaces tryptophan 890 with serine.
Molecular consequence: missense variant.
Genome position (GRCh38, 1-based): chr4:127,714,045, G>C. VCF-style: chr4-127714045-G-C. GRCh37 (hg19) VCF-style: chr4-128635200-G-C.
Other names: c.2669G>C (NM_015693.3); short protein forms W890S.
Identifiers: ClinVar variation 1519655 (VCV001519655.10), dbSNP rs187393671, ClinGen allele CA3075382.